The following is an entry in ClinVar:

ClinVar aggregate classification (germline): Uncertain significance (1 of 4 stars; one submission).

Conditions:
Hereditary cancer-predisposing syndrome. Also called: Tumor predisposition; Neoplastic Syndromes, Hereditary; Hereditary Cancer Syndrome; Hereditary neoplastic syndrome. Identifiers: Orphanet 140162, MedGen C0027672, MeSH D009386, MONDO:0015356.

Submission:

Ambry Genetics
Classification: Uncertain significance for Hereditary cancer-predisposing syndrome. Last evaluated: 2024-09-08. Review status: criteria provided, single submitter. Criteria: Ambry Variant Classification Scheme 2023. Collection method: clinical testing. Allele origin: germline.
Comment: The p.R1160S variant (also known as c.3480A>C), located in coding exon 10 of the BRCA2 gene, results from an A to C substitution at nucleotide position 3480. The arginine at codon 1160 is replaced by serine, an amino acid with dissimilar properties. This amino acid position is conserved. In addition, this alteration is predicted to be tolerated by in silico analysis. Based on the available evidence, the clinical significance of this variant remains unclear.

NM_000059.4(BRCA2):c.3480A>C (p.Arg1160Ser)

Gene: BRCA2 (BRCA2 DNA repair associated; plus strand). Cytogenetic location: 13q13.1.
Variant type: single nucleotide variant.
Coding change: c.3480A>C on transcript NM_000059.4 (MANE Select); coding-DNA position 3480, A replaced by C.
Protein change: p.Arg1160Ser; replaces arginine 1160 with serine.
Molecular consequence: missense variant. On other transcripts: non-coding transcript variant (1), intron variant (2).
Genome position (GRCh38, 1-based): chr13:32,337,835, A>C. VCF-style: chr13-32337835-A-C. GRCh37 (hg19) VCF-style: chr13-32911972-A-C.
Other names: c.3480A>C, p.Arg1160Ser (NM_001406719.1, NM_001406720.1, NM_001432077.1); c.1909+4448A>C (NM_001406721.1); c.425-6723A>C (NM_001406722.1); short protein forms R1160S.
Identifiers: ClinVar variation 3482084 (VCV003482084.1).